The following is an entry in ClinVar:

ClinVar aggregate classification (germline): Uncertain significance (1 of 4 stars; one submission).

Conditions:
Cardiovascular phenotype. Identifiers: MedGen CN230736.

Submission:

Ambry Genetics
Classification: Uncertain significance for Cardiovascular phenotype. Last evaluated: 2025-05-18. Review status: criteria provided, single submitter. Criteria: Ambry Variant Classification Scheme 2023. Collection method: clinical testing. Allele origin: germline.
Comment: The p.E1114D variant (also known as c.3342A>C), located in coding exon 29 of the ANK2 gene, results from an A to C substitution at nucleotide position 3342. The glutamic acid at codon 1114 is replaced by aspartic acid, an amino acid with highly similar properties. This amino acid position is conserved. In addition, this alteration is predicted to be tolerated by in silico analysis. Based on the available evidence, the clinical significance of this variant remains unclear.

NM_001148.6(ANK2):c.3342A>C (p.Glu1114Asp)

Gene: ANK2 (ankyrin 2; plus strand). Cytogenetic location: 4q26.
Variant type: single nucleotide variant.
Coding change: c.3342A>C on transcript NM_001148.6 (MANE Select); coding-DNA position 3342, A replaced by C.
Protein change: p.Glu1114Asp; replaces glutamic acid 1114 with aspartic acid.
Molecular consequence: missense variant.
Genome position (GRCh38, 1-based): chr4:113,333,171, A>C. VCF-style: chr4-113333171-A-C. GRCh37 (hg19) VCF-style: chr4-114254327-A-C.
Other names: c.3315A>C, p.Glu1105Asp (NM_001127493.3); c.3354A>C, p.Glu1118Asp (NM_001354225.2); c.3243A>C, p.Glu1081Asp (NM_001354228.2, NM_001354258.2); c.3321A>C, p.Glu1107Asp (NM_001354230.2); c.3384A>C, p.Glu1128Asp (NM_001354231.2, NM_001354242.2); c.3378A>C, p.Glu1126Asp (NM_001354232.2); c.3339A>C, p.Glu1113Asp (NM_001354235.2, NM_001354246.2, NM_001354265.2); c.3240A>C, p.Glu1080Asp (NM_001354236.2); and 28 more; short protein forms E1047D, E1067D, E1069D, E1081D, E1126D, E1128D, E1161D, E302D.
Identifiers: ClinVar variation 4051204 (VCV004051204.1).